The following is an entry in ClinVar:

NM_000268.4(NF2):c.1051del (p.Arg351fs)

Gene: NF2 (NF2, moesin-ezrin-radixin like (MERLIN) tumor suppressor; plus strand). Cytogenetic location: 22q12.2.
Variant type: Deletion.
Coding change: c.1051del on transcript NM_000268.4 (MANE Select); coding-DNA position 1051, one base deleted (C; older notation c.1051delC).
Protein change: p.Arg351fs; shifts the reading frame from arginine 351.
Molecular consequence: frameshift variant. On other transcripts: non-coding transcript variant (1), intron variant (1).
Genome position (GRCh38, 1-based): chr22:29,671,877, C deleted. VCF-style (leftmost placement, unchanged base first): chr22-29671876-AC-A. GRCh37 (hg19) VCF-style: chr22-30067865-AC-A.
Other names: c.1051del, p.Arg351fs (NM_016418.5, NM_181825.3, NM_181832.3); c.925del, p.Arg309fs (NM_181828.3); c.928del, p.Arg310fs (NM_181829.3); c.802del, p.Arg268fs (NM_181830.3, NM_181831.3); c.448-22875del (NM_181833.3); short protein forms R309fs, R310fs, R351fs, R268fs.
Identifiers: ClinVar variation 1368800 (VCV001368800.6), dbSNP rs2147072473, ClinGen allele CA514184825.

ClinVar aggregate classification (germline): Pathogenic (1 of 4 stars; one submission).

Conditions:
Neurofibromatosis, type 2 (SWNV). Also called: BILATERAL ACOUSTIC NEUROFIBROMATOSIS; NF2-Related Schwannomatosis; SCHWANNOMATOSIS, VESTIBULAR. Identifiers: Orphanet 637, MedGen C0027832, MONDO:0007039, OMIM 101000. Disease mechanism: loss of function.

Submission:

Labcorp Genetics (formerly Invitae), Labcorp
Classification: Pathogenic for Neurofibromatosis, type 2. Last evaluated: 2021-08-28. Review status: criteria provided, single submitter. Criteria: Invitae Variant Classification Sherloc (09022015). Collection method: clinical testing. Allele origin: germline.
Comment: For these reasons, this variant has been classified as Pathogenic. This sequence change creates a premature translational stop signal (p.Arg351Alafs*13) in the NF2 gene. It is expected to result in an absent or disrupted protein product. Loss-of-function variants in NF2 are known to be pathogenic (PMID: 9643284, 16983642). This variant is not present in population databases (ExAC no frequency). This variant has not been reported in the literature in individuals affected with NF2-related conditions.

Literature cited by the submitters: PubMed 9643284; PubMed 16983642.